The following is an entry in ClinVar:

ClinVar aggregate classification (germline): Uncertain significance (1 of 4 stars; one submission).

Submission:

GeneDx
Classification: Uncertain significance. Last evaluated: 2017-11-17. Review status: criteria provided, single submitter. Criteria: GeneDx Variant Classification (06012015). Collection method: clinical testing. Allele origin: germline. Affected: yes.
Comment: The c.13150_13151delAGinsGT variant in the RNF213 gene has not been reported previously as a pathogenic variant, nor as a benign variant, to our knowledge. This variant results in the replacement of Arginine 4384 with Valine, denoted Arg4384Val. The c.13150_13151delAGinsGT variant is not observed in large population cohorts (Lek et al., 2016). The c.13150_13151delAGinsGT results in a non-conservative amino acid substitution, which is likely to impact secondary protein structure as these residues differ in polarity, charge, size and/or other properties. In-silico analyses, including protein predictors and evolutionary conservation, support a deleterious effect. We interpret c.13150_13151delAGinsGT as a variant of uncertain significance.

NM_001256071.3(RNF213):c.13150_13151delinsGT (p.Arg4384Val)

Genes: RNF213 (ring finger protein 213; plus strand), RNF213-AS1 (RNF213 antisense RNA 1; minus strand). Cytogenetic location: 17q25.3.
Variant type: Indel.
Coding change: c.13150_13151delinsGT on transcript NM_001256071.3 (MANE Select); coding-DNA positions 13150 to 13151, AG replaced by GT.
Protein change: p.Arg4384Val; replaces arginine 4384 with valine.
Molecular consequence: missense variant.
Genome position (GRCh38, 1-based): chr17:80,375,835-80,375,836, AG replaced by GT. VCF-style: chr17-80375835-AG-GT. GRCh37 (hg19) VCF-style: chr17-78349635-AG-GT.
Other names: short protein forms R4384V.
Identifiers: ClinVar variation 503846 (VCV000503846.2), dbSNP rs1555678066, ClinGen allele CA658798981.
Genomic context (GRCh38, chr17:80,375,835, plus strand): 5'-CAAAGCCAGCAGTCAGCCTACTTCCTGTTAACACTGTTTAGAGAGGTGGCTATTTTGTAC[AG>GT]ATCCCACAATGCAAGCCTCCACCCCACGCCAGAGGTGAGTAACCGCCTGCAGGGCTGTGT-3'
Protein context (NP_001243000.2, residues 4374-4394): TLFREVAILY[Arg4384Val]SHNASLHPTP